The following is an entry in ClinVar:

ClinVar aggregate classification (germline): Uncertain significance (1 of 4 stars; one submission).

Conditions:
Early-infantile DEE. Also called: Ohtahara syndrome; Early infantile epileptic encephalopathy with suppression bursts; Early infantile epileptic encephalopathy. Identifiers: Orphanet 1934, MedGen C0393706, MONDO:0800491.

gnomAD v4.1: 2 of 1,614,140 alleles (0.00012%); highest among the groups gnomAD compares: Non-Finnish European, 0.00017%; no homozygotes.

Submission:

Labcorp Genetics (formerly Invitae), Labcorp
Classification: Uncertain significance for Early-infantile DEE. Last evaluated: 2023-05-08. Review status: criteria provided, single submitter. Criteria: Invitae Variant Classification Sherloc (09022015). Collection method: clinical testing. Allele origin: germline.
Comment: This sequence change replaces serine, which is neutral and polar, with phenylalanine, which is neutral and non-polar, at codon 1291 of the SPTAN1 protein (p.Ser1291Phe). This variant is not present in population databases (gnomAD no frequency). This variant has not been reported in the literature in individuals affected with SPTAN1-related conditions. Advanced modeling of protein sequence and biophysical properties (such as structural, functional, and spatial information, amino acid conservation, physicochemical variation, residue mobility, and thermodynamic stability) has been performed at Invitae for this missense variant, however the output from this modeling did not meet the statistical confidence thresholds required to predict the impact of this variant on SPTAN1 protein function. In summary, the available evidence is currently insufficient to determine the role of this variant in disease. Therefore, it has been classified as a Variant of Uncertain Significance.

NM_001130438.3(SPTAN1):c.3872C>T (p.Ser1291Phe)

Gene: SPTAN1 (spectrin alpha, non-erythrocytic 1; plus strand). Cytogenetic location: 9q34.11.
Variant type: single nucleotide variant.
Coding change: c.3872C>T on transcript NM_001130438.3 (MANE Select); coding-DNA position 3872, C replaced by T.
Protein change: p.Ser1291Phe; replaces serine 1291 with phenylalanine.
Molecular consequence: missense variant.
Genome position (GRCh38, 1-based): chr9:128,605,303, C>T. VCF-style: chr9-128605303-C-T. GRCh37 (hg19) VCF-style: chr9-131367582-C-T.
Other names: c.3812C>T, p.Ser1271Phe (NM_001195532.2, NM_001363765.2, NM_001375314.2); c.3872C>T, p.Ser1291Phe (NM_001363759.2, NM_001375310.1, NM_001375311.2 and 2 more transcripts); c.3908C>T, p.Ser1303Phe (NM_001375312.2, NM_001375318.1); short protein forms S1271F, S1291F, S1303F.
Identifiers: ClinVar variation 2862363 (VCV002862363.3), dbSNP rs1023409853, ClinGen allele CA375065076.